The following is an entry in ClinVar:

NM_182476.3(COQ6):c.456del (p.Thr153fs)

Genes: COQ6 (coenzyme Q6, monooxygenase; plus strand), ENTPD5 (ectonucleoside triphosphate diphosphohydrolase 5; minus strand). Cytogenetic location: 14q24.3.
Variant type: Deletion.
Coding change: c.456del on transcript NM_182476.3 (MANE Select); coding-DNA position 456, one base deleted (C; older notation c.456delC).
Protein change: p.Thr153fs; shifts the reading frame from threonine 153.
Molecular consequence: frameshift variant. On other transcripts: intron variant (3).
Genome position (GRCh38, 1-based): chr14:73,955,903, C deleted. VCF-style (leftmost placement, unchanged base first): chr14-73955902-TC-T. GRCh37 (hg19) VCF-style: chr14-74422605-TC-T.
Other names: c.456del, p.Thr153fs (NM_001425255.1, NM_001425256.1); c.291del, p.Thr98fs (NM_001425257.1); c.381del, p.Thr128fs (NM_001425258.1, NM_182480.3); c.231del, p.Thr78fs (NM_001425259.1, NM_001425260.1, NM_001425261.1); c.129del, p.Thr44fs (NM_001425263.1); c.47del, p.Ser16fs (NM_001425264.1, NM_001425265.1); c.357+394del (NM_001425262.1); c.1201-316del (NM_001382258.1); and 1 more; short protein forms T128fs, T153fs, S16fs, T44fs, T78fs, T98fs.
Identifiers: ClinVar variation 2834878 (VCV002834878.3), dbSNP rs2503019280, ClinGen allele CA2739279310.

ClinVar aggregate classification (germline): Pathogenic (1 of 4 stars; one submission).

Submission:

Labcorp Genetics (formerly Invitae), Labcorp
Classification: Pathogenic. Last evaluated: 2023-02-22. Review status: criteria provided, single submitter. Criteria: Invitae Variant Classification Sherloc (09022015). Collection method: clinical testing. Allele origin: germline.
Comment: For these reasons, this variant has been classified as Pathogenic. This variant has not been reported in the literature in individuals affected with COQ6-related conditions. This variant is not present in population databases (gnomAD no frequency). This sequence change creates a premature translational stop signal (p.Thr153Leufs*11) in the COQ6 gene. It is expected to result in an absent or disrupted protein product. Loss-of-function variants in COQ6 are known to be pathogenic (PMID: 21540551, 24140869).

Literature cited by the submitters: PubMed 21540551; PubMed 24140869.